The following is an entry in ClinVar:

NM_000038.6(APC):c.3162del (p.His1054fs)

Gene: APC (APC regulator of Wnt signaling pathway; plus strand). Cytogenetic location: 5q22.2.
Variant type: Deletion.
Coding change: c.3162del on transcript NM_000038.6 (MANE Select); coding-DNA position 3162, one base deleted (C; older notation c.3162delC).
Protein change: p.His1054fs; shifts the reading frame from histidine 1054.
Molecular consequence: frameshift variant.
Genome position (GRCh38, 1-based): chr5:112,838,756, C deleted. VCF-style (leftmost placement, unchanged base first): chr5-112838755-AC-A. GRCh37 (hg19) VCF-style: chr5-112174452-AC-A.
Other names: c.3162del (LRG_130t1); c.3162del, p.His1054fs (NM_001127510.3, NM_001354895.2); c.3108del, p.His1036fs (NM_001127511.3); c.3216del, p.His1072fs (NM_001354896.2); c.3192del, p.His1064fs (NM_001354897.2); c.3087del, p.His1029fs (NM_001354898.2); c.3078del, p.His1026fs (NM_001354899.2); c.3039del, p.His1013fs (NM_001354900.2); and 6 more; short protein forms H1064fs, H963fs, H1054fs, H771fs, H1013fs, H1026fs, H1036fs, H894fs.
Identifiers: ClinVar variation 42241 (VCV000042241.4), dbSNP rs397515733, ClinGen allele CA008092.
Genomic context (GRCh38, chr5:112,838,755, plus strand): 5'-AGCAGTTGAACTCTGGAAGGCAAAGTCCTTCACAGAATGAAAGATGGGCAAGACCCAAAC[AC>A]ATAATAGAAGATGAAATAAAACAAAGTGAGCAAAGACAATCAAGGAATCAAAGTACAACT-3'

ClinVar aggregate classification (germline): Pathogenic (1 of 4 stars; one submission).

Conditions:
Familial multiple polyposis syndrome (FAP). Also called: Familial adenomatous polyposis; Familial intestinal polyposis; Familial polyposis; Classic familial adenomatous polyposis; Familial Adenomatous Polyposis (FAP). Identifiers: Orphanet 733, MedGen C0032580, MONDO:0021055. Disease mechanism: loss of function.

Submission:

Laboratory for Molecular Medicine, Mass General Brigham Personalized Medicine
Classification: Pathogenic for Familial multiple polyposis syndrome. Last evaluated: 2013-11-14. Review status: criteria provided, single submitter. Criteria: LMM Criteria. Collection method: clinical testing. Allele origin: germline. Inheritance: Autosomal dominant inheritance. Observed: 5 variant alleles.
Comment: It has not be en identified in large population studies. This frameshift variant is predicted to alter the protein?s amino acid sequence beginning at position 1054 and lead t o a premature termination codon 2 amino acids downstream. This alteration is the n predicted to lead to a truncated or absent protein. Heterozygous loss of funct ion of the APC gene is an established disease mechanism in individuals with FAP. In summary, this variant meets our criteria to be classified as pathogenic based on the predicted impact on the protein.